The following is an entry in ClinVar:

ClinVar aggregate classification (germline): Uncertain significance. Review status: criteria provided, multiple submitters, no conflicts (2 of 4 stars). 3 submissions from 3 submitters: Uncertain significance (3). Last evaluated 2026-09-10.

Conditions:
Inborn genetic diseases. Identifiers: MedGen C0950123, MeSH D030342.

Allele frequency attached by ClinVar (database versions not stated): gnomAD 0.00001; gnomAD exomes below 0.00001.
gnomAD v4.1: 3 of 1,613,694 alleles (0.00019%); highest among the groups gnomAD compares: Non-Finnish European, 0.00025%; no homozygotes.

Submissions (3):

Ambry Genetics
Classification: Uncertain significance for Inborn genetic diseases. Last evaluated: 2026-09-10. Review status: criteria provided, single submitter. Criteria: Ambry Variant Classification Scheme 2023. Collection method: clinical testing. Allele origin: germline.

GeneDx
Classification: Uncertain significance. Last evaluated: 2024-12-12. Review status: criteria provided, single submitter. Criteria: GeneDx Variant Classification Process June 2021. Collection method: clinical testing. Allele origin: germline. Affected: yes.
Comment: Not observed at significant frequency in large population cohorts (gnomAD); In silico analysis supports that this missense variant has a deleterious effect on protein structure/function; Has not been previously published as pathogenic or benign to our knowledge

Labcorp Genetics (formerly Invitae), Labcorp
Classification: Uncertain significance. Last evaluated: 2021-07-14. Review status: criteria provided, single submitter. Criteria: Invitae Variant Classification Sherloc (09022015). Collection method: clinical testing. Allele origin: germline.
Comment: This sequence change replaces arginine with histidine at codon 245 of the RUNX2 protein (p.Arg245His). The arginine residue is highly conserved and there is a small physicochemical difference between arginine and histidine. This variant is not present in population databases (ExAC no frequency). This variant has not been reported in the literature in individuals affected with RUNX2-related conditions. Algorithms developed to predict the effect of missense changes on protein structure and function are either unavailable or do not agree on the potential impact of this missense change (SIFT: "Tolerated"; PolyPhen-2: "Probably Damaging"; Align-GVGD: "Class C0"). In summary, the available evidence is currently insufficient to determine the role of this variant in disease. Therefore, it has been classified as a Variant of Uncertain Significance.

NM_001024630.4(RUNX2):c.734G>A (p.Arg245His)

Gene: RUNX2 (RUNX family transcription factor 2; plus strand). Cytogenetic location: 6p21.1.
Variant type: single nucleotide variant.
Coding change: c.734G>A on transcript NM_001024630.4 (MANE Select); coding-DNA position 734, G replaced by A.
Protein change: p.Arg245His; replaces arginine 245 with histidine.
Molecular consequence: missense variant.
Genome position (GRCh38, 1-based): chr6:45,491,989, G>A. VCF-style: chr6-45491989-G-A. GRCh37 (hg19) VCF-style: chr6-45459726-G-A.
Other names: c.734G>A (NM_001024630.3); c.734G>A, p.Arg245His (NM_001015051.4); c.692G>A, p.Arg231His (NM_001278478.2, NM_001369405.1); short protein forms R231H, R245H.
Identifiers: ClinVar variation 1490149 (VCV001490149.10), dbSNP rs1310889814, ClinGen allele CA363958096.